The following is an entry in ClinVar:

NM_000138.5(FBN1):c.3093G>C (p.Glu1031Asp)

Gene: FBN1 (fibrillin 1; minus strand). Cytogenetic location: 15q21.1.
Variant type: single nucleotide variant.
Coding change: c.3093G>C on transcript NM_000138.5 (MANE Select); coding-DNA position 3093, G replaced by C.
Protein change: p.Glu1031Asp; replaces glutamic acid 1031 with aspartic acid.
Molecular consequence: missense variant.
Genome position (GRCh38, 1-based): chr15:48,488,483, C>G on the plus strand (G>C on the coding strand, the complement: FBN1 is on the minus strand). VCF-style: chr15-48488483-C-G. GRCh37 (hg19) VCF-style: chr15-48780680-C-G.
Other names: c.3093G>C, p.Glu1031Asp (NM_001406716.1); short protein forms E1031D.
Identifiers: ClinVar variation 4787560 (VCV004787560.1).

ClinVar aggregate classification (germline): Uncertain significance (1 of 4 stars; one submission).

Conditions:
Marfan syndrome (MFS). Also called: FBN1-Related Marfan Syndrome; MARFAN SYNDROME, TYPE I; Marfan syndrome type 1; Marfan's syndrome; Marfan syndrome, classic. Identifiers: Orphanet 284963, Orphanet 558, MedGen C0024796, MONDO:0007947, OMIM 154700.
Familial thoracic aortic aneurysm and aortic dissection (TAAD). Also called: Thoracic aortic aneurysms and dissections. Identifiers: Orphanet 91387, MedGen C4707243, MONDO:0019625.

Submission:

Labcorp Genetics (formerly Invitae), Labcorp
Classification: Uncertain significance for Marfan syndrome; Familial thoracic aortic aneurysm and aortic dissection. Last evaluated: 2025-07-10. Review status: criteria provided, single submitter. Criteria: Invitae Variant Classification Sherloc (09022015). Collection method: clinical testing. Allele origin: germline.
Comment: This sequence change replaces glutamic acid, which is acidic and polar, with aspartic acid, which is acidic and polar, at codon 1031 of the FBN1 protein (p.Glu1031Asp). This variant is not present in population databases (gnomAD no frequency). This missense change has been observed in individual(s) with Marfan syndrome (PMID: 19839986, 29848614, 34916231). Invitae Evidence Modeling of protein sequence and biophysical properties (such as structural, functional, and spatial information, amino acid conservation, physicochemical variation, residue mobility, and thermodynamic stability) indicates that this missense variant is expected to disrupt FBN1 protein function with a positive predictive value of 95%. In summary, the available evidence is currently insufficient to determine the role of this variant in disease. Therefore, it has been classified as a Variant of Uncertain Significance.

Literature cited by the submitters: PubMed 19839986; PubMed 29848614; PubMed 34916231.